The following is an entry in ClinVar:

ClinVar aggregate classification (germline): Pathogenic (1 of 4 stars; one submission).

Conditions:
Becker muscular dystrophy, Cardiomyopathy, Duchenne muscular dystrophy, Dystrophin deficiency.

Submission:

Natera, Inc.
Classification: Pathogenic for Becker muscular dystrophy, Cardiomyopathy, Duchenne muscular dystrophy, Dystrophin deficiency. Last evaluated: 2025-12-05. Review status: criteria provided, single submitter. Criteria: Natera Variant Classification Schema (03/2026). Collection method: clinical testing. Allele origin: germline.
Comment: The c.4518+1G>A variant in DMD is a canonical splice donor site variant predicted to affect pre-mRNA splicing, which may result in an abnormal transcript and altered protein product. This variant may result in a truncated or dysfunctional protein product. This variant is rare in the general population with a frequency below the threshold expected for the associated phenotype(s). This variant has been observed in affected individual(s) with monoallelic occurrence (heterozygous/hemizygous) (PMID: 15351422). Functional studies show that this variant may disrupt protein function (PMID: 15351422, 17041906). Another variant at this same site results in an alteration predicted to cause a similar molecular effect has been observed in individual(s) with the associated phenotype. Given the available evidence, this variant is classified as Pathogenic.

Literature cited by the submitters: PubMed 15351422; PubMed 17041906.

NM_004006.3(DMD):c.4518+1G>A

Gene: DMD (dystrophin; minus strand). Cytogenetic location: Xp21.1.
Variant type: single nucleotide variant.
Coding change: c.4518+1G>A on transcript NM_004006.3 (MANE Select); the canonical splice donor site of the intron after coding-DNA position 4518, G replaced by A.
Molecular consequence: splice donor variant.
Genome position (GRCh38, 1-based): chrX:32,389,500, C>T on the plus strand (G>A on the coding strand, the complement: DMD is on the minus strand). VCF-style: chrX-32389500-C-T. GRCh37 (hg19) VCF-style: chrX-32407617-C-T.
Other names: c.4494+1G>A (NM_000109.4); c.495+1G>A (NM_004011.4); c.486+1G>A (NM_004012.4); c.4506+1G>A (NM_004009.3); c.4149+1G>A (NM_004010.3).
Identifiers: ClinVar variation 4815309 (VCV004815309.1), dbSNP rs2147610408.